The following is an entry in ClinVar:

ClinVar aggregate classification (germline): Uncertain significance. Review status: criteria provided, multiple submitters, no conflicts (2 of 4 stars). 2 submissions from 2 submitters: Uncertain significance (2). Last evaluated 2025-10-07.

Conditions:
Orthostatic hypotension 1 (ORTHYP1). Also called: Orthostatic hypotension 1, due to DBH deficiency; NORADRENALINE DEFICIENCY; NOREPINEPHRINE DEFICIENCY; Dopamine beta-hydroxylase deficiency. Identifiers: Orphanet 230, MedGen C4746777, MONDO:0009123, OMIM 223360.
Inborn genetic diseases. Identifiers: MedGen C0950123, MeSH D030342.

Allele frequency attached by ClinVar (database versions not stated): gnomAD 0.00001; ExAC 0.00002; TOPMed 0.00002; gnomAD exomes 0.00003; ESP Exome Variant Server 0.00008.
gnomAD v4.1: 40 of 1,613,986 alleles (0.0025%); highest among the groups gnomAD compares: East Asian, 0.0089%; no homozygotes.

Submissions (2):

Ambry Genetics
Classification: Uncertain significance for Inborn genetic diseases. Last evaluated: 2025-10-07. Review status: criteria provided, single submitter. Criteria: Ambry Variant Classification Scheme 2023. Collection method: clinical testing. Allele origin: germline.

Labcorp Genetics (formerly Invitae), Labcorp
Classification: Uncertain significance for Orthostatic hypotension 1. Last evaluated: 2022-09-07. Review status: criteria provided, single submitter. Criteria: Invitae Variant Classification Sherloc (09022015). Collection method: clinical testing. Allele origin: germline.
Comment: In summary, the available evidence is currently insufficient to determine the role of this variant in disease. Therefore, it has been classified as a Variant of Uncertain Significance. Algorithms developed to predict the effect of missense changes on protein structure and function are either unavailable or do not agree on the potential impact of this missense change (SIFT: "Deleterious"; PolyPhen-2: "Possibly Damaging"; Align-GVGD: "Class C0"). This variant has not been reported in the literature in individuals affected with DBH-related conditions. This variant is present in population databases (rs373518838, gnomAD 0.01%). This sequence change replaces arginine, which is basic and polar, with tryptophan, which is neutral and slightly polar, at codon 380 of the DBH protein (p.Arg380Trp).

NM_000787.4(DBH):c.1138C>T (p.Arg380Trp)

Gene: DBH (dopamine beta-hydroxylase; plus strand). Cytogenetic location: 9q34.2.
Variant type: single nucleotide variant.
Coding change: c.1138C>T on transcript NM_000787.4 (MANE Select); coding-DNA position 1138, C replaced by T.
Protein change: p.Arg380Trp; replaces arginine 380 with tryptophan.
Molecular consequence: missense variant.
Genome position (GRCh38, 1-based): chr9:133,647,959, C>T. VCF-style: chr9-133647959-C-T. GRCh37 (hg19) VCF-style: chr9-136513081-C-T.
Other names: c.1138C>T (NM_000787.3); short protein forms R380W.
Identifiers: ClinVar variation 2072137 (VCV002072137.5), dbSNP rs373518838, ClinGen allele CA5313324.